The following is an entry in ClinVar:

NM_007294.4(BRCA1):c.4966G>C (p.Gly1656Arg)

Gene: BRCA1 (BRCA1 DNA repair associated; minus strand). Cytogenetic location: 17q21.31.
Variant type: single nucleotide variant.
Coding change: c.4966G>C on transcript NM_007294.4 (MANE Select); coding-DNA position 4966, G replaced by C.
Protein change: p.Gly1656Arg; replaces glycine 1656 with arginine.
Molecular consequence: missense variant. On other transcripts: non-coding transcript variant (1).
Genome position (GRCh38, 1-based): chr17:43,070,948, C>G on the plus strand (G>C on the coding strand, the complement: BRCA1 is on the minus strand). VCF-style: chr17-43070948-C-G. GRCh37 (hg19) VCF-style: chr17-41222965-C-G.
Other names: c.4753G>C, p.Gly1585Arg (NM_001407571.1, NM_001407906.1, NM_001407907.1 and 12 more transcripts); c.5032G>C, p.Gly1678Arg (NM_001407581.1, NM_001407582.1); c.5029G>C, p.Gly1677Arg (NM_001407583.1, NM_001407585.1, NM_001407587.1 and 1 more transcripts); c.5026G>C, p.Gly1676Arg (NM_001407590.1, NM_001407591.1); c.4966G>C, p.Gly1656Arg (NM_001407593.1, NM_001407594.1, NM_001407596.1 and 8 more transcripts); c.4963G>C, p.Gly1655Arg (NM_001407613.1, NM_001407614.1, NM_001407615.1 and 17 more transcripts); c.4960G>C, p.Gly1654Arg (NM_001407632.1, NM_001407633.1, NM_001407634.1 and 14 more transcripts); c.4888G>C, p.Gly1630Arg (NM_001407654.1, NM_001407655.1, NM_001407653.1); and 70 more; short protein forms G1677R, G1609R, G1656R, G552R, G486R, G511R, G526R, G551R.
Identifiers: ClinVar variation 868459 (VCV000868459.3), dbSNP rs2052361087, ClinGen allele CA10591593.

Conditions:
Breast-ovarian cancer, familial, susceptibility to, 1 (BROVCA1). Also called: BRCA1 Hereditary Breast and Ovarian Cancer; OVARIAN CANCER, SUSCEPTIBILITY TO. Identifiers: Orphanet 145, MedGen C2676676, MONDO:0011450, OMIM 604370. Disease mechanism: loss of function.

Submission:

Brotman Baty Institute, University of Washington
No classification provided (evidence only). Condition: Breast-ovarian cancer, familial 1. Review status: no classification provided. Collection method: in vitro. Allele origin: not applicable. Functional consequence: functionally_normal.
ClinVar note: "not provided" was previously submitted as the classification for the variant. However, the classification appeared to be based only on an observation of functional data so it was converted to no classification on 2025-07-30.